The following is an entry in ClinVar:

ClinVar aggregate classification (germline): Uncertain significance. Review status: criteria provided, multiple submitters, no conflicts (2 of 4 stars). 3 submissions from 3 submitters: Uncertain significance (3). Last evaluated 2025-10-22.

Conditions:
Spastic paraplegia. Identifiers: MedGen C0037772, HP:0001258.
Inborn genetic diseases. Identifiers: MedGen C0950123, MeSH D030342.
Stuttering, familial persistent, 1. Also called: STAMMERING. Identifiers: MedGen C3489627, MONDO:0008483, OMIM 184450.
Hereditary spastic paraplegia 51. Also called: Spastic paraplegia 51, autosomal recessive; CEREBRAL PALSY, SPASTIC QUADRIPLEGIC, 4. Identifiers: Orphanet 280763, MedGen C3151056, MONDO:0013401, OMIM 613744.

Allele frequency attached by ClinVar (database versions not stated): ExAC 0.00002; gnomAD exomes 0.00004 and 0.00002; 1000 Genomes Project 30x 0.00016; ESP Exome Variant Server 0.00023; gnomAD 0.00005 and 0.00007; TOPMed 0.00007; 1000 Genomes Project 0.00020.

Submissions (3):

Ambry Genetics
Classification: Uncertain significance for Inborn genetic diseases. Last evaluated: 2025-10-22. Review status: criteria provided, single submitter. Criteria: Ambry Variant Classification Scheme 2023. Collection method: clinical testing. Allele origin: germline.

Labcorp Genetics (formerly Invitae), Labcorp
Classification: Uncertain significance for Spastic paraplegia. Last evaluated: 2022-07-12. Review status: criteria provided, single submitter. Criteria: Invitae Variant Classification Sherloc (09022015). Collection method: clinical testing. Allele origin: germline.
Comment: This sequence change replaces proline, which is neutral and non-polar, with serine, which is neutral and polar, at codon 717 of the AP4E1 protein (p.Pro717Ser). This variant is present in population databases (rs150743968, gnomAD 0.03%). This variant has not been reported in the literature in individuals affected with AP4E1-related conditions. ClinVar contains an entry for this variant (Variation ID: 458249). Algorithms developed to predict the effect of missense changes on protein structure and function are either unavailable or do not agree on the potential impact of this missense change (SIFT: "Tolerated"; PolyPhen-2: "Possibly Damaging"; Align-GVGD: "Class C0"). In summary, the available evidence is currently insufficient to determine the role of this variant in disease. Therefore, it has been classified as a Variant of Uncertain Significance.

Fulgent Genetics
Classification: Uncertain significance for Stuttering, familial persistent, 1; Hereditary spastic paraplegia 51. Last evaluated: 2018-10-31. Review status: criteria provided, single submitter. Criteria: ACMG Guidelines, 2015. Collection method: clinical testing. Allele origin: unknown.

NM_007347.5(AP4E1):c.2149C>T (p.Pro717Ser)

Gene: AP4E1 (adaptor related protein complex 4 subunit epsilon 1; plus strand). Cytogenetic location: 15q21.2.
Variant type: single nucleotide variant.
Coding change: c.2149C>T on transcript NM_007347.5 (MANE Select); coding-DNA position 2149, C replaced by T.
Protein change: p.Pro717Ser; replaces proline 717 with serine.
Molecular consequence: missense variant.
Genome position (GRCh38, 1-based): chr15:50,993,428, C>T. VCF-style: chr15-50993428-C-T. GRCh37 (hg19) VCF-style: chr15-51285625-C-T.
Other names: c.1924C>T, p.Pro642Ser (NM_001252127.2); c.2149C>T (NM_007347.3); short protein forms P717S, P642S.
Identifiers: ClinVar variation 458249 (VCV000458249.8), dbSNP rs150743968, ClinGen allele CA7559264.